The following is an entry in ClinVar:

ClinVar aggregate classification (germline): Uncertain significance (1 of 4 stars; one submission).

Conditions:
Hereditary cancer-predisposing syndrome. Also called: Neoplastic Syndromes, Hereditary; Tumor predisposition; Hereditary neoplastic syndrome; Hereditary Cancer Syndrome. Identifiers: Orphanet 140162, MedGen C0027672, MeSH D009386, MONDO:0015356.

Submission:

Ambry Genetics
Classification: Uncertain significance for Hereditary cancer-predisposing syndrome. Last evaluated: 2026-07-11. Review status: criteria provided, single submitter. Criteria: Ambry Variant Classification Scheme 2023. Collection method: clinical testing. Allele origin: germline.
Comment: The p.R965S variant (also known as c.2895A>C), located in coding exon 18 of the BRIP1 gene, results from an A to C substitution at nucleotide position 2895. The arginine at codon 965 is replaced by serine, an amino acid with dissimilar properties. This amino acid position is conserved. In addition, this alteration is predicted to be tolerated by in silico analysis. Based on the available evidence, the clinical significance of this variant remains unclear.

NM_032043.3(BRIP1):c.2895A>C (p.Arg965Ser)

Gene: BRIP1 (BRCA1 interacting DNA helicase 1; minus strand). Cytogenetic location: 17q23.2.
Variant type: single nucleotide variant.
Coding change: c.2895A>C on transcript NM_032043.3 (MANE Select); coding-DNA position 2895, A replaced by C.
Protein change: p.Arg965Ser; replaces arginine 965 with serine.
Molecular consequence: missense variant.
Genome position (GRCh38, 1-based): chr17:61,685,846, T>G on the plus strand (A>C on the coding strand, the complement: BRIP1 is on the minus strand). VCF-style: chr17-61685846-T-G. GRCh37 (hg19) VCF-style: chr17-59763207-T-G.
Other names: short protein forms R965S.
Identifiers: ClinVar variation 5033423 (VCV005033423.1).